The following is an entry in ClinVar:

ClinVar aggregate classification (germline): Uncertain significance. Review status: criteria provided, multiple submitters, no conflicts (2 of 4 stars). 2 submissions from 2 submitters: Uncertain significance (2). Last evaluated 2025-08-30.

Conditions:
Meniere disease. Also called: Ménière's disease. Identifiers: MedGen C0025281, MONDO:0007972, OMIM 156000.

gnomAD v4.1: 51 of 1,614,002 alleles (0.0032%); highest among the groups gnomAD compares: Middle Eastern, 0.016%; no homozygotes.

Submissions (2):

Ambry Genetics
Classification: Uncertain significance. Last evaluated: 2025-08-30. Review status: criteria provided, single submitter. Criteria: Ambry Variant Classification Scheme 2023. Collection method: clinical testing. Allele origin: germline.

Meniere Disease Neuroscience Research Program, Faculty of Medicine and Health, Kolling Institute, The University of Sydney
Classification: Uncertain significance for Meniere disease. Last evaluated: 2025-05-25. Review status: criteria provided, single submitter. Criteria: ClinGen HL ACMG Specifications v1. Collection method: research. Allele origin: germline. Affected: yes.
Comment: This variant has an amino acid change at p.Thr364Met. This indivial shares mutation chr17:74930940:C>G in the OTOP2 gene.

NM_178160.3(OTOP2):c.1091C>T (p.Thr364Met)

Gene: OTOP2 (otopetrin 2; plus strand). Cytogenetic location: 17q25.1.
Variant type: single nucleotide variant.
Coding change: c.1091C>T on transcript NM_178160.3 (MANE Select); coding-DNA position 1091, C replaced by T.
Protein change: p.Thr364Met; replaces threonine 364 with methionine.
Molecular consequence: missense variant.
Genome position (GRCh38, 1-based): chr17:74,930,726, C>T. VCF-style: chr17-74930726-C-T. GRCh37 (hg19) VCF-style: chr17-72926821-C-T.
Other names: c.1091C>T (NM_178160.2); short protein forms T364M.
Identifiers: ClinVar variation 3901855 (VCV003901855.2).